The following is an entry in ClinVar:

NM_022051.3(EGLN1):c.*92G>C

Gene: EGLN1 (egl-9 family hypoxia inducible factor 1; minus strand). Cytogenetic location: 1q42.2.
Variant type: single nucleotide variant.
Coding change: c.*92G>C on transcript NM_022051.3 (MANE Select); 92 bases downstream of the stop codon, G replaced by C.
Molecular consequence: 3 prime UTR variant.
Genome position (GRCh38, 1-based): chr1:231,366,319, C>G on the plus strand (G>C on the coding strand, the complement: EGLN1 is on the minus strand). VCF-style: chr1-231366319-C-G. GRCh37 (hg19) VCF-style: chr1-231502065-C-G.
Other names: c.*153G>C (NM_001377260.1); c.*198G>C (NM_001377261.1).
Identifiers: ClinVar variation 2724730 (VCV002724730.3), dbSNP rs1204924164, ClinGen allele CA732743464.
Genomic context (GRCh38, chr1:231,366,319, plus strand): 5'-TCTGTTTGATGCAACACAAAAAGTTGTTTCTGTTTCCTTATTAAAATGCGAACTGGTTGT[C>G]TATTTTTCTTTATCCCATTTATTCGTATTCACAAGTTAACAAATAGTTAACAATATTGTA-3'

ClinVar aggregate classification (germline): Uncertain significance (1 of 4 stars; one submission).

Conditions:
Erythrocytosis, familial, 3 (ECYT3). Identifiers: Orphanet 247511, MedGen C1853286, MONDO:0012353, OMIM 609820.

Allele frequency attached by ClinVar (database versions not stated): TOPMed below 0.00001; gnomAD 0.00001.

Submission:

Labcorp Genetics (formerly Invitae), Labcorp
Classification: Uncertain significance for Erythrocytosis, familial, 3. Last evaluated: 2023-01-28. Review status: criteria provided, single submitter. Criteria: Invitae Variant Classification Sherloc (09022015). Collection method: clinical testing. Allele origin: germline.
Comment: This variant occurs in a non-coding region of the EGLN1 gene. It does not change the encoded amino acid sequence of the EGLN1 protein. This variant is not present in population databases (gnomAD no frequency). This variant has not been reported in the literature in individuals affected with EGLN1-related conditions. In summary, the available evidence is currently insufficient to determine the role of this variant in disease. Therefore, it has been classified as a Variant of Uncertain Significance.